The following is an entry in ClinVar:

NM_000553.6(WRN):c.3224T>C (p.Leu1075Pro)

Gene: WRN (WRN RecQ like helicase; plus strand). Cytogenetic location: 8p12.
Variant type: single nucleotide variant.
Coding change: c.3224T>C on transcript NM_000553.6 (MANE Select); coding-DNA position 3224, T replaced by C.
Protein change: p.Leu1075Pro; replaces leucine 1075 with proline.
Molecular consequence: missense variant.
Genome position (GRCh38, 1-based): chr8:31,141,766, T>C. VCF-style: chr8-31141766-T-C. GRCh37 (hg19) VCF-style: chr8-30999282-T-C.
Other names: short protein forms L1075P.
Identifiers: ClinVar variation 642982 (VCV000642982.7), dbSNP rs766463285, ClinGen allele CA4704965.

ClinVar aggregate classification (germline): Uncertain significance (1 of 4 stars; one submission).

Conditions:
Werner syndrome (WRN). Identifiers: Orphanet 902, MedGen C0043119, MONDO:0010196, OMIM 277700.

Allele frequency attached by ClinVar (database versions not stated): ExAC 0.00001; gnomAD exomes 0.00001.
gnomAD v4.1: 10 of 1,613,968 alleles (0.00062%); highest among the groups gnomAD compares: Non-Finnish European, 0.00085%; no homozygotes.

Submission:

Labcorp Genetics (formerly Invitae), Labcorp
Classification: Uncertain significance for Werner syndrome. Last evaluated: 2025-07-31. Review status: criteria provided, single submitter. Criteria: Invitae Variant Classification Sherloc (09022015). Collection method: clinical testing. Allele origin: germline.
Comment: This sequence change replaces leucine, which is neutral and non-polar, with proline, which is neutral and non-polar, at codon 1075 of the WRN protein (p.Leu1075Pro). This variant is present in population databases (rs766463285, gnomAD 0.0009%). This variant has not been reported in the literature in individuals affected with WRN-related conditions. ClinVar contains an entry for this variant (Variation ID: 642982). An algorithm developed to predict the effect of missense changes on protein structure and function outputs the following: PolyPhen-2: "Benign". The proline amino acid residue is found in multiple mammalian species, which suggests that this missense change does not adversely affect protein function. In summary, the available evidence is currently insufficient to determine the role of this variant in disease. Therefore, it has been classified as a Variant of Uncertain Significance.